The following is an entry in ClinVar:

NM_002181.4(IHH):c.857C>T (p.Pro286Leu)

Gene: IHH (Indian hedgehog signaling molecule; minus strand). Cytogenetic location: 2q35.
Variant type: single nucleotide variant.
Coding change: c.857C>T on transcript NM_002181.4 (MANE Select); coding-DNA position 857, C replaced by T.
Protein change: p.Pro286Leu; replaces proline 286 with leucine.
Molecular consequence: missense variant.
Genome position (GRCh38, 1-based): chr2:219,055,586, G>A on the plus strand (C>T on the coding strand, the complement: IHH is on the minus strand). VCF-style: chr2-219055586-G-A. GRCh37 (hg19) VCF-style: chr2-219920308-G-A.
Other names: short protein forms P286L.
Identifiers: ClinVar variation 334436 (VCV000334436.25), dbSNP rs140093604, ClinGen allele CA2116589.

ClinVar aggregate classification (germline): Conflicting classifications of pathogenicity. Review status: criteria provided, conflicting classifications (1 of 4 stars). 8 submissions from 8 submitters: Uncertain significance (1); Benign (2); Likely benign (2). 3 of the submissions do not count toward it. Last evaluated 2026-06-01.

Conditions:
Brachydactyly type A1. Also called: SHORT STATURE WITH NONSPECIFIC SKELETAL ABNORMALITIES 2; FARABEE-TYPE BRACHYDACTYLY. Identifiers: Orphanet 93388, MedGen C1862151, MONDO:0007215, OMIM 112500, HP:0009371.
IHH-related disorder. Also called: IHH-related condition.

Allele frequency attached by ClinVar (database versions not stated): ESP Exome Variant Server 0.00069; gnomAD 0.00080 and 0.00082; gnomAD exomes 0.00080 and 0.00111; TOPMed 0.00105; 1000 Genomes Project 0.00120; ExAC 0.00126; 1000 Genomes Project 30x 0.00141.

Submissions (8):

CeGaT Center for Human Genetics Tuebingen
Classification: Likely benign. Last evaluated: 2026-06-01. Review status: criteria provided, single submitter. Criteria: CeGaT Center For Human Genetics Tuebingen Variant Classification Criteria Version 2. Collection method: clinical testing. Allele origin: germline. Affected: yes. Observed: 3 variant alleles.
Comment: IHH: BS2

Labcorp Genetics (formerly Invitae), Labcorp
Classification: Benign. Last evaluated: 2025-12-21. Review status: criteria provided, single submitter. Criteria: Invitae Variant Classification Sherloc (09022015). Collection method: clinical testing. Allele origin: germline.

Blueprint Genetics
Classification: Likely benign. Last evaluated: 2024-11-22. Review status: criteria provided, single submitter. Criteria: ACMG Guidelines, 2015. Collection method: clinical testing. Allele origin: germline.

GeneDx
Classification: Uncertain significance. Last evaluated: 2021-04-13. Review status: criteria provided, single submitter. Criteria: GeneDx Variant Classification Process June 2021. Collection method: clinical testing. Allele origin: germline. Affected: yes.
Comment: Identified in a patient with severe familial short stature and classified as a variant of uncertain significance in published literature (Plachy et al., 2019); In silico analysis supports that this missense variant has a deleterious effect on protein structure/function; This variant is associated with the following publications: (PMID: 30753492)

Illumina Laboratory Services, Illumina
Classification: Benign for Brachydactyly type A1. Last evaluated: 2018-01-12. Review status: criteria provided, single submitter. Criteria: ICSL Variant Classification Criteria 13 December 2019. Collection method: clinical testing. Allele origin: germline.
Comment: This variant was observed in the ICSL laboratory as part of a predisposition screen in an ostensibly healthy population. It had not been previously curated by ICSL or reported in the Human Gene Mutation Database (HGMD: prior to June 1st, 2018), and was therefore a candidate for classification through an automated scoring system. Utilizing variant allele frequency, disease prevalence and penetrance estimates, and inheritance mode, an automated score was calculated to assess if this variant is too frequent to cause the disease. Based on the score and internal cut-off values, a variant classified as benign is not then subjected to further curation. The score for this variant resulted in a classification of benign for this disease.

PreventionGenetics, part of Exact Sciences
Classification: Likely benign for IHH-related condition. Last evaluated: 2022-06-16. Review status: no assertion criteria provided. Collection method: clinical testing. Allele origin: germline. Not counted in ClinVar's aggregate classification.
Comment: This variant is classified as likely benign based on ACMG/AMP sequence variant interpretation guidelines (Richards et al. 2015 PMID: 25741868, with internal and published modifications).

Clinical Genetics DNA and cytogenetics Diagnostics Lab, Erasmus MC, Erasmus Medical Center
Classification: Likely benign. Review status: no assertion criteria provided. Collection method: clinical testing. Allele origin: germline. Affected: yes. Study: VKGL Data-share Consensus. Not counted in ClinVar's aggregate classification.

Laboratory of Diagnostic Genome Analysis, Leiden University Medical Center (LUMC)
Classification: Likely benign. Review status: no assertion criteria provided. Collection method: clinical testing. Allele origin: germline. Affected: yes. Study: VKGL Data-share Consensus. Not counted in ClinVar's aggregate classification.